The following is an entry in ClinVar:

NM_001330723.2(SNX27):c.1154T>C (p.Val385Ala)

Gene: SNX27 (sorting nexin 27; plus strand). Cytogenetic location: 1q21.3.
Variant type: single nucleotide variant.
Coding change: c.1154T>C on transcript NM_001330723.2 (MANE Select); coding-DNA position 1154, T replaced by C.
Protein change: p.Val385Ala; replaces valine 385 with alanine.
Molecular consequence: missense variant.
Genome position (GRCh38, 1-based): chr1:151,683,360, T>C. VCF-style: chr1-151683360-T-C. GRCh37 (hg19) VCF-style: chr1-151655836-T-C.
Other names: c.1154T>C, p.Val385Ala (NM_030918.6); short protein forms V385A.
Identifiers: ClinVar variation 1494099 (VCV001494099.5), dbSNP rs534450090, ClinGen allele CA30508548.

ClinVar aggregate classification (germline): Uncertain significance (1 of 4 stars; one submission).

Conditions:
Severe myoclonic epilepsy in infancy (DRVT). Also called: Epileptic encephalopathy, early infantile, 6 (Dravet syndrome); Dravet syndrome; SEVERE MYOCLONIC EPILEPSY OF INFANCY; DEVELOPMENTAL AND EPILEPTIC ENCEPHALOPATHY 6A; Severe Myoclonic Epilepsy in Infancy (SMEI). Identifiers: Orphanet 33069, MedGen C0751122, MONDO:0100135, OMIM 607208.

Allele frequency attached by ClinVar (database versions not stated): gnomAD 0.00001; gnomAD exomes 0.00001 and 0.00003; TOPMed 0.00001; 1000 Genomes Project 30x 0.00016; 1000 Genomes Project 0.00020.
gnomAD v4.1: 10 of 1,612,054 alleles (0.00062%); highest among the groups gnomAD compares: East Asian, 0.02%; no homozygotes.

Submission:

Labcorp Genetics (formerly Invitae), Labcorp
Classification: Uncertain significance for Severe myoclonic epilepsy in infancy. Last evaluated: 2022-05-08. Review status: criteria provided, single submitter. Criteria: Invitae Variant Classification Sherloc (09022015). Collection method: clinical testing. Allele origin: germline.
Comment: This sequence change replaces valine, which is neutral and non-polar, with alanine, which is neutral and non-polar, at codon 385 of the SNX27 protein (p.Val385Ala). This variant is present in population databases (rs534450090, gnomAD 0.04%). This variant has not been reported in the literature in individuals affected with SNX27-related conditions. Algorithms developed to predict the effect of missense changes on protein structure and function are either unavailable or do not agree on the potential impact of this missense change (SIFT: "Deleterious"; PolyPhen-2: "Benign"; Align-GVGD: "Class C0"). In summary, the available evidence is currently insufficient to determine the role of this variant in disease. Therefore, it has been classified as a Variant of Uncertain Significance.